The following is an entry in ClinVar:

NM_000093.5(COL5A1):c.3112A>G (p.Lys1038Glu)

Gene: COL5A1 (collagen type V alpha 1 chain; plus strand). Cytogenetic location: 9q34.3.
Variant type: single nucleotide variant.
Coding change: c.3112A>G on transcript NM_000093.5 (MANE Select); coding-DNA position 3112, A replaced by G.
Protein change: p.Lys1038Glu; replaces lysine 1038 with glutamic acid.
Molecular consequence: missense variant.
Genome position (GRCh38, 1-based): chr9:134,802,993, A>G. VCF-style: chr9-134802993-A-G. GRCh37 (hg19) VCF-style: chr9-137694839-A-G.
Other names: c.3112A>G, p.Lys1038Glu (NM_001278074.1); short protein forms K1038E.
Identifiers: ClinVar variation 1409666 (VCV001409666.9), dbSNP rs766852875, ClinGen allele CA5319754.
Genomic context (GRCh38, chr9:134,802,993, plus strand): 5'-GGGCCCCCTGGACCCCCCGGTGAACAGGGGCTTCCGGGCCTTGCTGGAAAAGAAGGGACG[A>G]AGGTGAGTTTCTGGAGCCTTCTGTGTCAGCTCAGGCGTTTCCTCAGGAATCATTTTGGGA-3'
Protein context (NP_000084.3, residues 1028-1048): LPGLAGKEGT[Lys1038Glu]GDPGPAGLPG

ClinVar aggregate classification (germline): Uncertain significance. Review status: criteria provided, multiple submitters, no conflicts (2 of 4 stars). 2 submissions from 2 submitters: Uncertain significance (2). Last evaluated 2024-12-03.

Conditions:
Familial thoracic aortic aneurysm and aortic dissection (TAAD). Also called: Thoracic aortic aneurysms and dissections. Identifiers: Orphanet 91387, MedGen C4707243, MONDO:0019625.
Ehlers-Danlos syndrome, classic type, 1 (EDSCL1). Also called: EHLERS-DANLOS SYNDROME, GRAVIS TYPE; EHLERS-DANLOS SYNDROME, SEVERE CLASSIC TYPE; Ehlers-Danlos syndrome, type 1; Ehlers-Danlos Syndrome, Classic Type, COL5A1-Related; EDS I. Identifiers: MedGen C0268335, MONDO:0019567, OMIM 130000.

Allele frequency attached by ClinVar (database versions not stated): gnomAD exomes below 0.00001 and 0.00001; TOPMed 0.00001; gnomAD 0.00001.
gnomAD v4.1: 5 of 1,597,606 alleles (0.00031%); highest among the groups gnomAD compares: East Asian, 0.011%; no homozygotes.

Submissions (2):

Labcorp Genetics (formerly Invitae), Labcorp
Classification: Uncertain significance for Ehlers-Danlos syndrome, classic type, 1. Last evaluated: 2024-12-03. Review status: criteria provided, single submitter. Criteria: Invitae Variant Classification Sherloc (09022015). Collection method: clinical testing. Allele origin: germline.
Comment: This sequence change replaces lysine, which is basic and polar, with glutamic acid, which is acidic and polar, at codon 1038 of the COL5A1 protein (p.Lys1038Glu). This variant is present in population databases (rs766852875, gnomAD 0.02%). This variant has not been reported in the literature in individuals affected with COL5A1-related conditions. ClinVar contains an entry for this variant (Variation ID: 1409666). Experimental studies and prediction algorithms are not available or were not evaluated, and the functional significance of this variant is currently unknown. In summary, the available evidence is currently insufficient to determine the role of this variant in disease. Therefore, it has been classified as a Variant of Uncertain Significance.

Ambry Genetics
Classification: Uncertain significance for Familial thoracic aortic aneurysm and aortic dissection. Last evaluated: 2018-11-07. Review status: criteria provided, single submitter. Criteria: Ambry Variant Classification Scheme 2023. Collection method: clinical testing. Allele origin: germline.
Comment: The p.K1038E variant (also known as c.3112A>G), located in coding exon 39 of the COL5A1 gene, results from an A to G substitution at nucleotide position 3112. The lysine at codon 1038 is replaced by glutamic acid, an amino acid with similar properties. This amino acid position is highly conserved in available vertebrate species. In addition, this alteration is predicted to be deleterious by in silico analysis. Since supporting evidence is limited at this time, the clinical significance of this alteration remains unclear.